The following is an entry in ClinVar:

ClinVar aggregate classification (germline): Likely benign. Review status: criteria provided, multiple submitters, no conflicts (2 of 4 stars). 4 submissions from 4 submitters: Likely benign (2). 2 of the submissions do not count toward it. Last evaluated 2024-05-01.

Allele frequency attached by ClinVar (database versions not stated): TOPMed 0.00024; gnomAD exomes 0.00042 and 0.00076; 1000 Genomes Project 0.00060; ExAC 0.00073; 1000 Genomes Project 30x 0.00078.
gnomAD v4.1: 662 of 1,613,924 alleles (0.041%); highest among the groups gnomAD compares: South Asian, 0.39%; 9 homozygotes.

Submissions (4):

CeGaT Center for Human Genetics Tuebingen
Classification: Likely benign. Last evaluated: 2024-05-01. Review status: criteria provided, single submitter. Criteria: CeGaT Center For Human Genetics Tuebingen Variant Classification Criteria Version 2. Collection method: clinical testing. Allele origin: germline. Affected: yes. Observed: 3 variant alleles.
Comment: DDX11: BP4, BS2

Breakthrough Genomics
Classification: Likely benign. Review status: criteria provided, single submitter. Criteria: ACMG Guidelines, 2015. Collection method: not provided. Allele origin: germline. Inheritance: Autosomal recessive inheritance. Affected: yes.

Clinical Genetics DNA and cytogenetics Diagnostics Lab, Erasmus MC, Erasmus Medical Center
Classification: Likely benign. Review status: no assertion criteria provided. Collection method: clinical testing. Allele origin: germline. Affected: yes. Study: VKGL Data-share Consensus. Not counted in ClinVar's aggregate classification.

Laboratory of Diagnostic Genome Analysis, Leiden University Medical Center (LUMC)
Classification: Likely benign. Review status: no assertion criteria provided. Collection method: clinical testing. Allele origin: germline. Affected: yes. Study: VKGL Data-share Consensus. Not counted in ClinVar's aggregate classification.

NM_030653.4(DDX11):c.*69G>A

Gene: DDX11 (DEAD/H-box helicase 11; plus strand). Cytogenetic location: 12p11.21.
Variant type: single nucleotide variant.
Coding change: c.*69G>A on transcript NM_030653.4 (MANE Select); 69 bases downstream of the stop codon, G replaced by A.
Molecular consequence: 3 prime UTR variant. On other transcripts: missense variant (2).
Genome position (GRCh38, 1-based): chr12:31,103,905, G>A. VCF-style: chr12-31103905-G-A. GRCh37 (hg19) VCF-style: chr12-31256839-G-A.
Other names: c.2785G>A, p.Val929Met (NM_001257144.2, NM_152438.2); c.*69G>A (NM_001257145.2, NM_004399.3); short protein forms V929M.
Identifiers: ClinVar variation 1206141 (VCV001206141.27), dbSNP rs563857266, ClinGen allele CA6501993.